The following is an entry in ClinVar:

NM_181507.2(HPS5):c.1635-2A>G

Gene: HPS5 (HPS5 biogenesis of lysosomal organelles complex 2 subunit 2; minus strand). Cytogenetic location: 11p15.1.
Variant type: single nucleotide variant.
Coding change: c.1635-2A>G on transcript NM_181507.2 (MANE Select); the canonical splice acceptor site of the intron before coding-DNA position 1635, A replaced by G.
Molecular consequence: splice acceptor variant.
Genome position (GRCh38, 1-based): chr11:18,295,171, T>C on the plus strand (A>G on the coding strand, the complement: HPS5 is on the minus strand). VCF-style: chr11-18295171-T-C. GRCh37 (hg19) VCF-style: chr11-18316718-T-C.
Other names: c.1635-2A>G (NM_001440902.1, NM_001440904.1, NM_001440931.1 and 5 more transcripts); c.1449-2A>G (NM_001440918.1); c.1560-2A>G (NM_001440908.1, NM_001440907.1, NM_001440909.1); c.1221-2A>G (NM_001440929.1, NM_001440928.1, NM_001440927.1); c.1293-2A>G (NM_181508.2, NM_001440921.1, NM_001440926.1 and 7 more transcripts); c.1524-2A>G (NM_001440915.1, NM_001440914.1, NM_001440913.1); c.1422-2A>G (NM_001440919.1).
Identifiers: ClinVar variation 2903692 (VCV002903692.3), dbSNP rs899237804, ClinGen allele CA218541065.

ClinVar aggregate classification (germline): Likely pathogenic (1 of 4 stars; one submission).

Allele frequency attached by ClinVar (database versions not stated): gnomAD exomes below 0.00001; gnomAD 0.00001; TOPMed 0.00002.
gnomAD v4.1: 4 of 1,613,576 alleles (0.00025%); highest among the groups gnomAD compares: African/African-American, 0.0053%; no homozygotes.

Submission:

Labcorp Genetics (formerly Invitae), Labcorp
Classification: Likely pathogenic. Last evaluated: 2024-12-09. Review status: criteria provided, single submitter. Criteria: Invitae Variant Classification Sherloc (09022015). Collection method: clinical testing. Allele origin: germline.
Comment: This sequence change affects an acceptor splice site in intron 13 of the HPS5 gene. It is expected to disrupt RNA splicing. Variants that disrupt the donor or acceptor splice site typically lead to a loss of protein function (PMID: 16199547), and loss-of-function variants in HPS5 are known to be pathogenic (PMID: 12548288, 15296495, 21833017, 26785811). This variant is present in population databases (no rsID available, gnomAD 0.007%). This variant has not been reported in the literature in individuals affected with HPS5-related conditions. ClinVar contains an entry for this variant (Variation ID: 2903692). Algorithms developed to predict the effect of sequence changes on RNA splicing suggest that this variant may disrupt the consensus splice site. In summary, the currently available evidence indicates that the variant is pathogenic, but additional data are needed to prove that conclusively. Therefore, this variant has been classified as Likely Pathogenic.

Literature cited by the submitters: PubMed 16199547; PubMed 12548288; PubMed 15296495; PubMed 21833017; PubMed 26785811.